The following is an entry in ClinVar:

ClinVar aggregate classification (germline): Uncertain significance (1 of 4 stars; one submission).

Conditions:
L-2-hydroxyglutaric aciduria (L2HGA). Identifiers: Orphanet 79314, MedGen C1855995, MONDO:0009370, OMIM 236792, HP:0040144.

Allele frequency attached by ClinVar (database versions not stated): gnomAD exomes below 0.00001; TOPMed below 0.00001; ExAC 0.00001; gnomAD 0.00001.
gnomAD v4.1: 2 of 1,613,862 alleles (0.00012%); highest among the groups gnomAD compares: Non-Finnish European, 0.000085%; no homozygotes.

Submission:

Labcorp Genetics (formerly Invitae), Labcorp
Classification: Uncertain significance for L-2-hydroxyglutaric aciduria. Last evaluated: 2022-07-26. Review status: criteria provided, single submitter. Criteria: Invitae Variant Classification Sherloc (09022015). Collection method: clinical testing. Allele origin: germline.
Comment: This sequence change replaces serine, which is neutral and polar, with proline, which is neutral and non-polar, at codon 230 of the L2HGDH protein (p.Ser230Pro). This variant is present in population databases (rs776278065, gnomAD 0.0009%). This variant has not been reported in the literature in individuals affected with L2HGDH-related conditions. Algorithms developed to predict the effect of missense changes on protein structure and function output the following: SIFT: "Tolerated"; PolyPhen-2: "Benign"; Align-GVGD: "Class C0". The proline amino acid residue is found in multiple mammalian species, which suggests that this missense change does not adversely affect protein function. In summary, the available evidence is currently insufficient to determine the role of this variant in disease. Therefore, it has been classified as a Variant of Uncertain Significance.

NM_024884.3(L2HGDH):c.688T>C (p.Ser230Pro)

Gene: L2HGDH (L-2-hydroxyglutarate dehydrogenase; minus strand). Cytogenetic location: 14q21.3.
Variant type: single nucleotide variant.
Coding change: c.688T>C on transcript NM_024884.3 (MANE Select); coding-DNA position 688, T replaced by C.
Protein change: p.Ser230Pro; replaces serine 230 with proline.
Molecular consequence: missense variant.
Genome position (GRCh38, 1-based): chr14:50,283,886, A>G on the plus strand (T>C on the coding strand, the complement: L2HGDH is on the minus strand). VCF-style: chr14-50283886-A-G. GRCh37 (hg19) VCF-style: chr14-50750604-A-G.
Other names: short protein forms S230P.
Identifiers: ClinVar variation 1956478 (VCV001956478.5), dbSNP rs776278065, ClinGen allele CA7177942.